The following is an entry in ClinVar:

NM_001376.5(DYNC1H1):c.4502T>C (p.Ile1501Thr)

Gene: DYNC1H1 (dynein cytoplasmic 1 heavy chain 1; plus strand). Cytogenetic location: 14q32.31.
Variant type: single nucleotide variant.
Coding change: c.4502T>C on transcript NM_001376.5 (MANE Select); coding-DNA position 4502, T replaced by C.
Protein change: p.Ile1501Thr; replaces isoleucine 1501 with threonine.
Molecular consequence: missense variant.
Genome position (GRCh38, 1-based): chr14:102,001,641, T>C. VCF-style: chr14-102001641-T-C. GRCh37 (hg19) VCF-style: chr14-102467978-T-C.
Other names: short protein forms I1501T.
Identifiers: ClinVar variation 2839140 (VCV002839140.3), dbSNP rs2503731389, ClinGen allele CA391042742.
Genomic context (GRCh38, chr14:102,001,641, plus strand): 5'-AGAACAAGTGCCGCTTGATCCGTGGCTGGGATGACCTCTTCAACAAGGTCAAAGAACACA[T>C]CAACAGCGTCTCGGCCATGAAGCTCTCTCCGTATTACAAGGTGCTGTTGCTGGGGAAGCT-3'
Protein context (NP_001367.2, residues 1491-1511): DDLFNKVKEH[Ile1501Thr]NSVSAMKLSP

ClinVar aggregate classification (germline): Uncertain significance (1 of 4 stars; one submission).

Conditions:
Charcot-Marie-Tooth disease axonal type 2O. Also called: CHARCOT-MARIE-TOOTH NEUROPATHY, AXONAL, TYPE 2O; CHARCOT-MARIE-TOOTH DISEASE, AXONAL, AUTOSOMAL DOMINANT, TYPE 2O; Charcot-Marie-Tooth Neuropathy Type 2O; Charcot-Marie-Tooth disease, axonal, type 20. Identifiers: Orphanet 284232, MedGen C3280220, MONDO:0013644, OMIM 614228.

Submission:

Labcorp Genetics (formerly Invitae), Labcorp
Classification: Uncertain significance for Charcot-Marie-Tooth disease axonal type 2O. Last evaluated: 2023-09-29. Review status: criteria provided, single submitter. Criteria: Invitae Variant Classification Sherloc (09022015). Collection method: clinical testing. Allele origin: germline.
Comment: In summary, the available evidence is currently insufficient to determine the role of this variant in disease. Therefore, it has been classified as a Variant of Uncertain Significance. Advanced modeling of protein sequence and biophysical properties (such as structural, functional, and spatial information, amino acid conservation, physicochemical variation, residue mobility, and thermodynamic stability) has been performed at Invitae for this missense variant, however the output from this modeling did not meet the statistical confidence thresholds required to predict the impact of this variant on DYNC1H1 protein function. This variant has not been reported in the literature in individuals affected with DYNC1H1-related conditions. This variant is not present in population databases (gnomAD no frequency). This sequence change replaces isoleucine, which is neutral and non-polar, with threonine, which is neutral and polar, at codon 1501 of the DYNC1H1 protein (p.Ile1501Thr).